The following is an entry in ClinVar:

ClinVar aggregate classification (germline): Uncertain significance (1 of 4 stars; one submission).

Conditions:
Facioscapulohumeral muscular dystrophy 2 (FSHD2). Also called: MUSCULAR DYSTROPHY, FACIOSCAPULOHUMERAL, TYPE 1B; FACIOSCAPULOHUMERAL MUSCULAR DYSTROPHY 2, DIGENIC; FSHD2, DIGENIC. Identifiers: Orphanet 269, MedGen C1834671, MONDO:0008031, OMIM 158901.

Allele frequency attached by ClinVar (database versions not stated): gnomAD exomes below 0.00001.

Submission:

Labcorp Genetics (formerly Invitae), Labcorp
Classification: Uncertain significance for Facioscapulohumeral muscular dystrophy 2. Last evaluated: 2023-08-24. Review status: criteria provided, single submitter. Criteria: Invitae Variant Classification Sherloc (09022015). Collection method: clinical testing. Allele origin: germline.
Comment: ClinVar contains an entry for this variant (Variation ID: 852230). This variant has not been reported in the literature in individuals affected with SMCHD1-related conditions. This variant is not present in population databases (gnomAD no frequency). This sequence change replaces arginine, which is basic and polar, with cysteine, which is neutral and slightly polar, at codon 226 of the SMCHD1 protein (p.Arg226Cys). Advanced modeling of protein sequence and biophysical properties (such as structural, functional, and spatial information, amino acid conservation, physicochemical variation, residue mobility, and thermodynamic stability) has been performed at Invitae for this missense variant, however the output from this modeling did not meet the statistical confidence thresholds required to predict the impact of this variant on SMCHD1 protein function. In summary, the available evidence is currently insufficient to determine the role of this variant in disease. Therefore, it has been classified as a Variant of Uncertain Significance.

NM_015295.3(SMCHD1):c.676C>T (p.Arg226Cys)

Gene: SMCHD1 (structural maintenance of chromosomes flexible hinge domain containing 1; plus strand). Cytogenetic location: 18p11.32.
Variant type: single nucleotide variant.
Coding change: c.676C>T on transcript NM_015295.3 (MANE Select); coding-DNA position 676, C replaced by T.
Protein change: p.Arg226Cys; replaces arginine 226 with cysteine.
Molecular consequence: missense variant.
Genome position (GRCh38, 1-based): chr18:2,688,431, C>T. VCF-style: chr18-2688431-C-T. GRCh37 (hg19) VCF-style: chr18-2688429-C-T.
Other names: short protein forms R226C.
Identifiers: ClinVar variation 852230 (VCV000852230.9), dbSNP rs2074100315, ClinGen allele CA401692975.